The following is an entry in ClinVar:

ClinVar aggregate classification (germline): Uncertain significance (1 of 4 stars; one submission).

Conditions:
Carney complex, type 1 (CNC1). Also called: CARNEY COMPLEX, TYPE I; CARNEY MYXOMA-ENDOCRINE COMPLEX. Identifiers: Orphanet 1359, MedGen C2607929, MONDO:0008057, OMIM 160980.

Submission:

Labcorp Genetics (formerly Invitae), Labcorp
Classification: Uncertain significance for Carney complex, type 1. Last evaluated: 2023-07-31. Review status: criteria provided, single submitter. Criteria: Invitae Variant Classification Sherloc (09022015). Collection method: clinical testing. Allele origin: germline.
Comment: This sequence change replaces aspartic acid, which is acidic and polar, with valine, which is neutral and non-polar, at codon 143 of the PRKAR1A protein (p.Asp143Val). This variant is not present in population databases (gnomAD no frequency). This variant has not been reported in the literature in individuals affected with PRKAR1A-related conditions. Advanced modeling of protein sequence and biophysical properties (such as structural, functional, and spatial information, amino acid conservation, physicochemical variation, residue mobility, and thermodynamic stability) performed at Invitae indicates that this missense variant is not expected to disrupt PRKAR1A protein function. In summary, the available evidence is currently insufficient to determine the role of this variant in disease. Therefore, it has been classified as a Variant of Uncertain Significance.

NM_002734.5(PRKAR1A):c.428A>T (p.Asp143Val)

Gene: PRKAR1A (protein kinase cAMP-dependent type I regulatory subunit alpha; plus strand). Cytogenetic location: 17q24.2.
Variant type: single nucleotide variant.
Coding change: c.428A>T on transcript NM_002734.5 (MANE Select); coding-DNA position 428, A replaced by T.
Protein change: p.Asp143Val; replaces aspartic acid 143 with valine.
Molecular consequence: missense variant.
Genome position (GRCh38, 1-based): chr17:68,523,804, A>T. VCF-style: chr17-68523804-A-T. GRCh37 (hg19) VCF-style: chr17-66519945-A-T.
Other names: c.428A>T, p.Asp143Val (NM_001276289.2, NM_001276290.1, NM_001278433.2 and 4 more transcripts); short protein forms D143V.
Identifiers: ClinVar variation 2748598 (VCV002748598.3), dbSNP rs1296031514, ClinGen allele CA400752724.